The following is an entry in ClinVar:

NM_000036.3(AMPD1):c.216-2del

Gene: AMPD1 (adenosine monophosphate deaminase 1; minus strand). Cytogenetic location: 1p13.2.
Variant type: Deletion.
Coding change: c.216-2del on transcript NM_000036.3 (MANE Select); the canonical splice acceptor site of the intron before coding-DNA position 216, one base deleted (A; older notation c.216-2delA).
Molecular consequence: splice acceptor variant.
Genome position (GRCh38, 1-based): chr1:114,686,912, T deleted on the plus strand (A on the coding strand, the reverse complement: AMPD1 is on the minus strand). VCF-style (leftmost placement, unchanged base first): chr1-114686911-CT-C. GRCh37 (hg19) VCF-style: chr1-115229532-CT-C.
Other names: c.204-2del (NM_001172626.2).
Identifiers: ClinVar variation 1940425 (VCV001940425.2), dbSNP rs1019132397, ClinGen allele CA29061649.
Genomic context (GRCh38, chr1:114,686,911, plus strand): 5'-GATGTTTCACTTAGTGGAATGGACAAATTAACAGTCTTCCGTCCTTGGAAACGCTTTTTT[CT>C]GGGTTCGAAATTTAAAAGTAAGAGTTAATTTTGTCTTCATCAGGCGTTTCATTGTGATAG-3'

ClinVar aggregate classification (germline): Uncertain significance (1 of 4 stars; one submission).

Conditions:
Muscle AMP deaminase deficiency (MMDD). Also called: AMPD1 DEFICIENCY; Myoadenylate deaminase deficiency, myopathy due to; Adenosine monophosphate deaminase 1 deficiency; AMP deaminase 1 deficiency; Adenosine Monophosphate Deaminase 1; ADENOSINE MONOPHOSPHATE DEAMINASE-1 DEFICIENCY, MYOPATHY DUE TO. Identifiers: Orphanet 45, MedGen C3714933, MONDO:0014220, OMIM 615511.

Allele frequency attached by ClinVar (database versions not stated): gnomAD exomes below 0.00001; TOPMed below 0.00001.

Submission:

Labcorp Genetics (formerly Invitae), Labcorp
Classification: Uncertain significance for Muscle AMP deaminase deficiency. Last evaluated: 2022-08-09. Review status: criteria provided, single submitter. Criteria: Invitae Variant Classification Sherloc (09022015). Collection method: clinical testing. Allele origin: germline.
Comment: This sequence change affects a splice site in intron 3 of the AMPD1 gene. It is expected to disrupt RNA splicing. Variants that disrupt the donor or acceptor splice site typically lead to a loss of protein function (PMID: 16199547), however the current clinical and genetic evidence is not sufficient to establish whether loss-of-function variants in AMPD1 cause disease. This variant is present in population databases (no rsID available, gnomAD 0.003%). This variant has not been reported in the literature in individuals affected with AMPD1-related conditions. Algorithms developed to predict the effect of sequence changes on RNA splicing suggest that this variant may disrupt the consensus splice site. In summary, the available evidence is currently insufficient to determine the role of this variant in disease. Therefore, it has been classified as a Variant of Uncertain Significance.

Literature cited by the submitters: PubMed 16199547.